The following is an entry in ClinVar:

ClinVar aggregate classification (germline): Likely benign (0 of 4 stars; one submission).

Conditions:
NUP205-related disorder. Also called: NUP205-related condition.

Allele frequency attached by ClinVar (database versions not stated): gnomAD 0.00011; ExAC 0.00016; gnomAD exomes 0.00022.

Submission:

PreventionGenetics, part of Exact Sciences
Classification: Likely benign for NUP205-related condition. Last evaluated: 2020-04-07. Review status: no assertion criteria provided. Collection method: clinical testing. Allele origin: germline.
Comment: This variant is classified as likely benign based on ACMG/AMP sequence variant interpretation guidelines (Richards et al. 2015 PMID: 25741868, with internal and published modifications).

NM_015135.3(NUP205):c.4232-11_4232-10del

Gene: NUP205 (nucleoporin 205; plus strand). Cytogenetic location: 7q33.
Variant type: Deletion.
Coding change: c.4232-11_4232-10del on transcript NM_015135.3 (MANE Select); 11 bases into the intron before coding-DNA position 4232 through 10 bases into the intron before coding-DNA position 4232, 2 bases deleted (AA; older notation c.4232-11_4232-10delAA).
Molecular consequence: intron variant.
Genome position (GRCh38, 1-based): chr7:135,619,779-135,619,780, AA deleted. VCF-style (leftmost placement, unchanged base first): chr7-135619778-TAA-T. GRCh37 (hg19) VCF-style: chr7-135304526-TAA-T.
Other names: c.3158-11_3158-10del (NM_001329434.2).
Identifiers: ClinVar variation 3054231 (VCV003054231.2), dbSNP rs767733186, ClinGen allele CA4498831.